The following is an entry in ClinVar:

ClinVar aggregate classification (germline): Uncertain significance (1 of 4 stars; one submission).

Submission:

GeneDx
Classification: Uncertain significance. Last evaluated: 2026-02-10. Review status: criteria provided, single submitter. Criteria: GeneDx Variant Classification Process June 2021. Collection method: clinical testing. Allele origin: germline.
Comment: In-frame deletion of 5 amino acids in a non-repeat region; Has not been previously published as pathogenic or benign to our knowledge; Not observed at significant frequency in large population cohorts (gnomAD)

NM_003185.4(TAF4):c.762_776del (p.Pro255_Ala259del)

Gene: TAF4 (TATA-box binding protein associated factor 4; minus strand). Cytogenetic location: 20q13.33.
Variant type: Deletion.
Coding change: c.762_776del on transcript NM_003185.4 (MANE Select); coding-DNA positions 762 to 776, 15 bases deleted (GCCCTCGCCCCCCGC).
Protein change: p.Pro255_Ala259del.
Molecular consequence: inframe deletion.
Genome position (GRCh38, 1-based): chr20:62,065,035-62,065,049, GCGGGGGGCGAGGGC deleted on the plus strand (GCCCTCGCCCCCCGC on the coding strand, the reverse complement: TAF4 is on the minus strand); deleting any 15 consecutive bases within chr20:62,065,035-62,065,053 gives the same sequence; the c. name uses the placement nearest the transcript's 3' end. VCF-style (leftmost placement, unchanged base first): chr20-62065034-GGCGGGGGGCGAGGGC-G. GRCh37 (hg19) VCF-style: chr20-60640090-GGCGGGGGGCGAGGGC-G.
Identifiers: ClinVar variation 4976355 (VCV004976355.1).